The following is an entry in ClinVar:

NM_006180.6(NTRK2):c.184A>C (p.Ser62Arg)

Gene: NTRK2 (neurotrophic receptor tyrosine kinase 2; plus strand). Cytogenetic location: 9q21.33.
Variant type: single nucleotide variant.
Coding change: c.184A>C on transcript NM_006180.6 (MANE Select); coding-DNA position 184, A replaced by C.
Protein change: p.Ser62Arg; replaces serine 62 with arginine.
Molecular consequence: missense variant.
Genome position (GRCh38, 1-based): chr9:84,670,932, A>C. VCF-style: chr9-84670932-A-C. GRCh37 (hg19) VCF-style: chr9-87285847-A-C.
Other names: c.184A>C, p.Ser62Arg (NM_001007097.3, NM_001018064.3, NM_001018065.2 and 18 more transcripts); short protein forms S62R.
Identifiers: ClinVar variation 1514225 (VCV001514225.8), dbSNP rs915858967, ClinGen allele CA374004913.
Genomic context (GRCh38, chr9:84,670,932, plus strand): 5'-CGGATCTGGTGCAGCGACCCTTCTCCTGGCATCGTGGCATTTCCGAGATTGGAGCCTAAC[A>C]GTGTAGATCCTGAGAACATCACCGAAATGTGAGTTCCTGGAGCTTTTCCTCCTTTTTCTC-3'
Protein context (NP_006171.2, residues 52-72): IVAFPRLEPN[Ser62Arg]VDPENITEIF

ClinVar aggregate classification (germline): Uncertain significance (1 of 4 stars; one submission).

Submission:

Labcorp Genetics (formerly Invitae), Labcorp
Classification: Uncertain significance. Last evaluated: 2021-01-03. Review status: criteria provided, single submitter. Criteria: Invitae Variant Classification Sherloc (09022015). Collection method: clinical testing. Allele origin: germline.
Comment: This sequence change replaces serine with arginine at codon 62 of the NTRK2 protein (p.Ser62Arg). The serine residue is moderately conserved and there is a moderate physicochemical difference between serine and arginine. This variant is not present in population databases (ExAC no frequency). In summary, the available evidence is currently insufficient to determine the role of this variant in disease. Therefore, it has been classified as a Variant of Uncertain Significance. Advanced modeling of protein sequence and biophysical properties (such as structural, functional, and spatial information, amino acid conservation, physicochemical variation, residue mobility, and thermodynamic stability) performed at Invitae indicates that this missense variant is expected to disrupt NTRK2 protein function. This variant has not been reported in the literature in individuals with NTRK2-related conditions.